The following is an entry in ClinVar:

ClinVar aggregate classification (germline): Uncertain significance (1 of 4 stars; one submission).

gnomAD v4.1: 1 of 1,609,828 alleles (0.000062%); highest among the groups gnomAD compares: Non-Finnish European, 0.000085%; no homozygotes.

Submission:

Labcorp Genetics (formerly Invitae), Labcorp
Classification: Uncertain significance. Last evaluated: 2023-08-24. Review status: criteria provided, single submitter. Criteria: Invitae Variant Classification Sherloc (09022015). Collection method: clinical testing. Allele origin: germline.
Comment: This sequence change replaces alanine, which is neutral and non-polar, with serine, which is neutral and polar, at codon 2207 of the CAD protein (p.Ala2207Ser). This variant is not present in population databases (gnomAD no frequency). This variant has not been reported in the literature in individuals affected with CAD-related conditions. ClinVar contains an entry for this variant (Variation ID: 1379300). An algorithm developed to predict the effect of missense changes on protein structure and function (PolyPhen-2) suggests that this variant is likely to be disruptive. In summary, the available evidence is currently insufficient to determine the role of this variant in disease. Therefore, it has been classified as a Variant of Uncertain Significance.

NM_004341.5(CAD):c.6619G>T (p.Ala2207Ser)

Genes: CAD (carbamoyl-phosphate synthetase 2, aspartate transcarbamylase, and dihydroorotase; plus strand), LOC126806172 (CDK7 strongly-dependent group 2 enhancer GRCh37_chr2:27465505-27466704; plus strand). Cytogenetic location: 2p23.3.
Variant type: single nucleotide variant.
Coding change: c.6619G>T on transcript NM_004341.5 (MANE Select); coding-DNA position 6619, G replaced by T.
Protein change: p.Ala2207Ser; replaces alanine 2207 with serine.
Molecular consequence: missense variant.
Genome position (GRCh38, 1-based): chr2:27,243,459, G>T. VCF-style: chr2-27243459-G-T. GRCh37 (hg19) VCF-style: chr2-27466327-G-T.
Other names: c.6430G>T, p.Ala2144Ser (NM_001306079.2); short protein forms A2207S, A2144S.
Identifiers: ClinVar variation 1379300 (VCV001379300.6), dbSNP rs2148102397, ClinGen allele CA346225486.
Genomic context (GRCh38, chr2:27,243,459, plus strand): 5'-TTTTTTTTTTTTTGCAGCGTGGAAGTGGACTCGGATCCCCGCGCAGCCTACTTCCGCCAG[G>T]CTGAGAACGGCATGTACATCCGCATGGCTCTGTTAGCCACCGTGCTGGGCCGTTTCTAGG-3'
Protein context (NP_004332.2, residues 2197-2217): SDPRAAYFRQ[Ala2207Ser]ENGMYIRMAL